The following is an entry in ClinVar:

ClinVar aggregate classification (germline): Uncertain significance (1 of 4 stars; one submission).

Conditions:
Neurodevelopmental disorder with language delay and variable cognitive abnormalities (NEDLC). Identifiers: MedGen C5882689, MONDO:0957779, OMIM 620502.

Submission:

3billion
Classification: Uncertain significance for Neurodevelopmental disorder with language delay and variable cognitive abnormalities. Last evaluated: 2025-02-19. Review status: criteria provided, single submitter. Criteria: ACMG Guidelines, 2015. Collection method: clinical testing. Allele origin: germline. Affected: yes.
Comment: The variant is not observed in the gnomAD v4.1.0 dataset. Predicted Consequence/Location: Missense variant. Missense changes are a common disease-causing mechanism. Therefore, this variant is classified as VUS according to the recommendation of ACMG/AMP guideline.

NM_001470.4(GABBR1):c.2663C>T (p.Ser888Phe)

Gene: GABBR1 (gamma-aminobutyric acid type B receptor subunit 1; minus strand). Cytogenetic location: 6p22.1.
Variant type: single nucleotide variant.
Coding change: c.2663C>T on transcript NM_001470.4 (MANE Select); coding-DNA position 2663, C replaced by T.
Protein change: p.Ser888Phe; replaces serine 888 with phenylalanine.
Molecular consequence: missense variant.
Genome position (GRCh38, 1-based): chr6:29,604,543, G>A on the plus strand (C>T on the coding strand, the complement: GABBR1 is on the minus strand). VCF-style: chr6-29604543-G-A. GRCh37 (hg19) VCF-style: chr6-29572320-G-A.
Other names: c.2132C>T, p.Ser711Phe (NM_001319053.2); c.2312C>T, p.Ser771Phe (NM_021903.3); c.2477C>T, p.Ser826Phe (NM_021904.4); short protein forms S711F, S771F, S826F, S888F.
Identifiers: ClinVar variation 4293556 (VCV004293556.1).